The following is an entry in ClinVar:

NM_001384900.1(SEMA3D):c.680A>G (p.Tyr227Cys)

Gene: SEMA3D (semaphorin 3D; minus strand). Cytogenetic location: 7q21.11.
Variant type: single nucleotide variant.
Coding change: c.680A>G on transcript NM_001384900.1 (MANE Select); coding-DNA position 680, A replaced by G.
Protein change: p.Tyr227Cys; replaces tyrosine 227 with cysteine.
Molecular consequence: missense variant.
Genome position (GRCh38, 1-based): chr7:85,065,462, T>C on the plus strand (A>G on the coding strand, the complement: SEMA3D is on the minus strand). VCF-style: chr7-85065462-T-C. GRCh37 (hg19) VCF-style: chr7-84694778-T-C.
Other names: c.680A>G, p.Tyr227Cys (NM_001384901.1, NM_001384902.1, NM_001384903.1 and 1 more transcripts); short protein forms Y227C.
Identifiers: ClinVar variation 3349128 (VCV003349128.1).

ClinVar aggregate classification (germline): Uncertain significance (0 of 4 stars; one submission).

Conditions:
SEMA3D-related disorder. Also called: SEMA3D-related condition.

gnomAD v4.1: 6 of 1,613,262 alleles (0.00037%); highest among the groups gnomAD compares: African/African-American, 0.0053%; no homozygotes.

Submission:

PreventionGenetics, part of Exact Sciences
Classification: Uncertain significance for SEMA3D-related condition. Last evaluated: 2024-02-28. Review status: no assertion criteria provided. Collection method: clinical testing. Allele origin: germline.
Comment: The SEMA3D c.680A>G variant is predicted to result in the amino acid substitution p.Tyr227Cys. To our knowledge, this variant has not been reported in the literature. This variant is reported in 0.016% of alleles in individuals of African descent in gnomAD. At this time, the clinical significance of this variant is uncertain due to the absence of conclusive functional and genetic evidence.